The following is an entry in ClinVar:

NM_006612.6(KIF1C):c.37C>T (p.Arg13Trp)

Gene: KIF1C (kinesin family member 1C; plus strand). Cytogenetic location: 17p13.2.
Variant type: single nucleotide variant.
Coding change: c.37C>T on transcript NM_006612.6 (MANE Select); coding-DNA position 37, C replaced by T.
Protein change: p.Arg13Trp; replaces arginine 13 with tryptophan.
Molecular consequence: missense variant.
Genome position (GRCh38, 1-based): chr17:5,000,283, C>T. VCF-style: chr17-5000283-C-T. GRCh37 (hg19) VCF-style: chr17-4903578-C-T.
Other names: short protein forms R13W.
Identifiers: ClinVar variation 536732 (VCV000536732.1), dbSNP rs756071061, ClinGen allele CA8318423.

ClinVar aggregate classification (germline): Uncertain significance (1 of 4 stars; one submission).

Conditions:
Spastic ataxia 2. Also called: Ataxia, spastic, 2, autosomal recessive. Identifiers: Orphanet 397946, MedGen C1969796, MONDO:0012651, OMIM 611302.

Allele frequency attached by ClinVar (database versions not stated): gnomAD exomes below 0.00001; gnomAD 0.00001; ExAC 0.00003.
gnomAD v4.1: 7 of 1,586,132 alleles (0.00044%); highest among the groups gnomAD compares: Non-Finnish European, 0.0006%; no homozygotes.

Submission:

Labcorp Genetics (formerly Invitae), Labcorp
Classification: Uncertain significance for Spastic ataxia 2. Last evaluated: 2017-11-27. Review status: criteria provided, single submitter. Criteria: Invitae Variant Classification Sherloc (09022015). Collection method: clinical testing. Allele origin: germline.
Comment: This sequence change replaces arginine with tryptophan at codon 13 of the KIF1C protein (p.Arg13Trp). The arginine residue is highly conserved and there is a moderate physicochemical difference between arginine and tryptophan. This variant is present in population databases (rs756071061, ExAC 0.006%). This variant has not been reported in the literature in individuals with KIF1C-related disease. Algorithms developed to predict the effect of missense changes on protein structure and function do not agree on the potential impact of this missense change (SIFT: "Deleterious"; PolyPhen-2: "Probably Damaging"; Align-GVGD: "Class C0"). In summary, the available evidence is currently insufficient to determine the role of this variant in disease. Therefore, it has been classified as a Variant of Uncertain Significance.